The following is an entry in ClinVar:

NM_005263.5(GFI1):c.100G>A (p.Ala34Thr)

Gene: GFI1 (growth factor independent 1 transcriptional repressor; minus strand). Cytogenetic location: 1p22.1.
Variant type: single nucleotide variant.
Coding change: c.100G>A on transcript NM_005263.5 (MANE Select); coding-DNA position 100, G replaced by A.
Protein change: p.Ala34Thr; replaces alanine 34 with threonine.
Molecular consequence: missense variant.
Genome position (GRCh38, 1-based): chr1:92,483,388, C>T on the plus strand (G>A on the coding strand, the complement: GFI1 is on the minus strand). VCF-style: chr1-92483388-C-T. GRCh37 (hg19) VCF-style: chr1-92948945-C-T.
Other names: c.100G>A, p.Ala34Thr (NM_001127215.3, NM_001127216.3); short protein forms A34T.
Identifiers: ClinVar variation 2776830 (VCV002776830.5), dbSNP rs752718949, ClinGen allele CA951506.

ClinVar aggregate classification (germline): Uncertain significance. Review status: criteria provided, multiple submitters, no conflicts (2 of 4 stars). 2 submissions from 2 submitters: Uncertain significance (2). Last evaluated 2024-11-21.

Conditions:
Neutropenia, severe congenital, 2, autosomal dominant. Identifiers: Orphanet 486, MedGen C2751288, MONDO:0013139, OMIM 613107.

Allele frequency attached by ClinVar (database versions not stated): gnomAD exomes below 0.00001; ExAC 0.00001; TOPMed 0.00001.
gnomAD v4.1: 6 of 1,607,540 alleles (0.00037%); highest among the groups gnomAD compares: East Asian, 0.011%; no homozygotes.

Submissions (2):

Ambry Genetics
Classification: Uncertain significance. Last evaluated: 2024-11-21. Review status: criteria provided, single submitter. Criteria: Ambry Variant Classification Scheme 2023. Collection method: clinical testing. Allele origin: germline.
Comment: The p.A34T variant (also known as c.100G>A), located in coding exon 1 of the GFI1 gene, results from a G to A substitution at nucleotide position 100. The alanine at codon 34 is replaced by threonine, an amino acid with similar properties. This amino acid position is conserved. In addition, this alteration is predicted to be tolerated by in silico analysis. Based on the available evidence, the clinical significance of this variant remains unclear.

Labcorp Genetics (formerly Invitae), Labcorp
Classification: Uncertain significance for Neutropenia, severe congenital, 2, autosomal dominant. Last evaluated: 2024-07-19. Review status: criteria provided, single submitter. Criteria: Invitae Variant Classification Sherloc (09022015). Collection method: clinical testing. Allele origin: germline.
Comment: This sequence change replaces alanine, which is neutral and non-polar, with threonine, which is neutral and polar, at codon 34 of the GFI1 protein (p.Ala34Thr). This variant is present in population databases (rs752718949, gnomAD 0.02%). This variant has not been reported in the literature in individuals affected with GFI1-related conditions. Advanced modeling of protein sequence and biophysical properties (such as structural, functional, and spatial information, amino acid conservation, physicochemical variation, residue mobility, and thermodynamic stability) performed at Invitae indicates that this missense variant is not expected to disrupt GFI1 protein function with a negative predictive value of 80%. In summary, the available evidence is currently insufficient to determine the role of this variant in disease. Therefore, it has been classified as a Variant of Uncertain Significance.